The following is an entry in ClinVar:

NM_001387430.1(SH2B1):c.144C>T (p.Tyr48=)

Gene: SH2B1 (SH2B adaptor protein 1; plus strand). Cytogenetic location: 16p11.2.
Variant type: single nucleotide variant.
Coding change: c.144C>T on transcript NM_001387430.1 (MANE Select); coding-DNA position 144, C replaced by T.
Protein change: p.Tyr48=; no amino-acid change (tyrosine 48 retained).
Molecular consequence: synonymous variant. On other transcripts: intron variant (1).
Genome position (GRCh38, 1-based): chr16:28,866,238, C>T. VCF-style: chr16-28866238-C-T. GRCh37 (hg19) VCF-style: chr16-28877559-C-T.
Other names: c.144C>T, p.Tyr48= (NM_001145795.2, NM_001145796.2, NM_001145797.2 and 4 more transcripts); c.-26-1136C>T (NM_001308294.2).
Identifiers: ClinVar variation 3357387 (VCV003357387.1).

ClinVar aggregate classification (germline): Likely benign (0 of 4 stars; one submission).

Conditions:
SH2B1-related disorder. Also called: SH2B1-related condition.

gnomAD v4.1: 2 of 1,610,852 alleles (0.00012%); highest among the groups gnomAD compares: Admixed American, 0.0017%; no homozygotes.

Submission:

PreventionGenetics, part of Exact Sciences
Classification: Likely benign for SH2B1-related condition. Last evaluated: 2024-01-17. Review status: no assertion criteria provided. Collection method: clinical testing. Allele origin: germline.
Comment: This variant is classified as likely benign based on ACMG/AMP sequence variant interpretation guidelines (Richards et al. 2015 PMID: 25741868, with internal and published modifications).